The following is an entry in ClinVar:

NM_002519.3(NPAT):c.3947G>A (p.Cys1316Tyr)

Gene: NPAT (nuclear protein, coactivator of histone transcription; minus strand). Cytogenetic location: 11q22.3.
Variant type: single nucleotide variant.
Coding change: c.3947G>A on transcript NM_002519.3 (MANE Select); coding-DNA position 3947, G replaced by A.
Protein change: p.Cys1316Tyr; replaces cysteine 1316 with tyrosine.
Molecular consequence: missense variant.
Genome position (GRCh38, 1-based): chr11:108,161,139, C>T on the plus strand (G>A on the coding strand, the complement: NPAT is on the minus strand). VCF-style: chr11-108161139-C-T. GRCh37 (hg19) VCF-style: chr11-108031866-C-T.
Other names: c.3968G>A, p.Cys1323Tyr (NM_001321307.1); short protein forms C1316Y, C1323Y.
Identifiers: ClinVar variation 3300646 (VCV003300646.1).

ClinVar aggregate classification (germline): Uncertain significance (1 of 4 stars; one submission).

gnomAD v4.1: 1 of 1,614,196 alleles (0.000062%); highest among the groups gnomAD compares: South Asian, 0.0011%; no homozygotes.

Submission:

Ambry Genetics
Classification: Uncertain significance. Last evaluated: 2024-03-21. Review status: criteria provided, single submitter. Criteria: Ambry Variant Classification Scheme 2023. Collection method: clinical testing. Allele origin: germline.
Comment: The p.C1316Y variant (also known as c.3947G>A), located in coding exon 17 of the NPAT gene, results from a G to A substitution at nucleotide position 3947. The cysteine at codon 1316 is replaced by tyrosine, an amino acid with highly dissimilar properties. This amino acid position is conserved. In addition, the in silico prediction for this alteration is inconclusive. Based on the available evidence, the clinical significance of this alteration remains unclear.